The following is an entry in ClinVar:

ClinVar aggregate classification (germline): Likely pathogenic. Review status: criteria provided, multiple submitters, no conflicts (2 of 4 stars). 2 submissions from 2 submitters: Likely pathogenic (2). Last evaluated 2024-02-27.

Conditions:
Joint dislocation. Also called: Dislocation of joint. Identifiers: MedGen C0012691, HP:0001373.
Short stature. Identifiers: MedGen C0349588, HP:0004322.
Desbuquois dysplasia 1 (DBQD1). Also called: MICROMELIC DWARFISM WITH VERTEBRAL AND METAPHYSEAL ABNORMALITIES AND ADVANCED CARPOTARSAL OSSIFICATION; DESBUQUOIS DYSPLASIA 1, KIM VARIANT. Identifiers: Orphanet 1425, MedGen C4012146, MONDO:0009629, OMIM 251450.
Epiphyseal dysplasia, multiple, 7. Identifiers: Orphanet 647676, MedGen C4540251, MONDO:0054680, OMIM 617719.

Allele frequency attached by ClinVar (database versions not stated): gnomAD exomes below 0.00001 and 0.00001.
gnomAD v4.1: 7 of 1,612,726 alleles (0.00043%); highest among the groups gnomAD compares: Non-Finnish European, 0.00059%; no homozygotes.

Submissions (2):

Fulgent Genetics
Classification: Likely pathogenic for Desbuquois dysplasia 1; Epiphyseal dysplasia, multiple, 7. Last evaluated: 2024-02-27. Review status: criteria provided, single submitter. Criteria: ACMG Guidelines, 2015. Collection method: clinical testing. Allele origin: germline.

Hacettepe Genetic Diseases Diagnosis Center, Hacettepe University Faculty of Medicine
Classification: Likely pathogenic for Joint dislocation; Short stature. Last evaluated: 2020-05-14. Review status: criteria provided, single submitter. Criteria: ACMG Guidelines, 2015. Collection method: clinical testing. Allele origin: germline. Inheritance: Autosomal recessive inheritance. Affected: yes. Observed: 3 homozygotes. Clinical features observed: Disproportionate short stature (HP:0003498), Joint dislocation (HP:0001373), Myopia (HP:0000545), Osteoporosis (HP:0000939), Intellectual disability (HP:0001249), Joint laxity (HP:0001388), Short stature (HP:0004322).
Comment: Sequencing analysis of the CANT1 gene revealed a novel homozygous mutation (c.739T>C, p.Trp247Arg) in two siblings and in an unrelated patient presented with joint dislocations and short stature. The W247R mutation was neither described in ExaC nor 1000 Genomes Project databases and there is only one heterozygous individual in gnomAD data. This variant was classified as likely pathogenic according to the ACMG variant classification criterias and evaluated as deleterious by in silico analysis such as MutationTaster and PolyPhen-2.

NM_001159773.2(CANT1):c.739T>C (p.Trp247Arg)

Gene: CANT1 (calcium activated nucleotidase 1; minus strand). Cytogenetic location: 17q25.3.
Variant type: single nucleotide variant.
Coding change: c.739T>C on transcript NM_001159773.2 (MANE Select); coding-DNA position 739, T replaced by C.
Protein change: p.Trp247Arg; replaces tryptophan 247 with arginine.
Molecular consequence: missense variant.
Genome position (GRCh38, 1-based): chr17:78,995,114, A>G on the plus strand (T>C on the coding strand, the complement: CANT1 is on the minus strand). VCF-style: chr17-78995114-A-G. GRCh37 (hg19) VCF-style: chr17-76991196-A-G.
Other names: c.739T>C, p.Trp247Arg (NM_001159772.2, NM_138793.4); short protein forms W247R.
Identifiers: ClinVar variation 929439 (VCV000929439.3), dbSNP rs1361897950, ClinGen allele CA401307176.
Genomic context (GRCh38, chr17:78,995,114, plus strand): 5'-TGTAGTTGGACACCCAGTTCTCGTGGTCCACGCTGCCCTTGTAGCCCACCACCTTCACCC[A>G]CTCCGGGTTCTCGTTCACCACATCACCCGTAGTGGTCGTCCACTCCTTGCCCAGGCCGCC-3'
Protein context (NP_001153245.1, residues 237-257): TGDVVNENPE[Trp247Arg]VKVVGYKGSV